The following is an entry in ClinVar:

NM_004991.4(MECOM):c.3275A>T (p.Glu1092Val)

Gene: MECOM (MDS1 and EVI1 complex locus; minus strand). Cytogenetic location: 3q26.2.
Variant type: single nucleotide variant.
Coding change: c.3275A>T on transcript NM_004991.4 (MANE Select); coding-DNA position 3275, A replaced by T.
Protein change: p.Glu1092Val; replaces glutamic acid 1092 with valine.
Molecular consequence: missense variant.
Genome position (GRCh38, 1-based): chr3:169,090,126, T>A on the plus strand (A>T on the coding strand, the complement: MECOM is on the minus strand). VCF-style: chr3-169090126-T-A. GRCh37 (hg19) VCF-style: chr3-168807914-T-A.
Other names: c.2906A>T, p.Glu969Val (NM_001105077.4); c.2711A>T, p.Glu904Val (NM_001105078.4, NM_001205194.2, NM_001366469.2 and 1 more transcripts); c.2687A>T, p.Glu896Val (NM_001163999.2, NM_001366470.2); c.2684A>T, p.Glu895Val (NM_001164000.2, NM_001366471.2, NM_001366472.2); c.3248A>T, p.Glu1083Val (NM_001366466.2); c.2714A>T, p.Glu905Val (NM_001366467.2, NM_001366468.2); c.2276A>T, p.Glu759Val (NM_001366473.2); c.1712A>T, p.Glu571Val (NM_001366474.2); short protein forms E1083V, E571V, E969V, E1092V, E895V, E759V, E905V, E896V.
Identifiers: ClinVar variation 4053114 (VCV004053114.1).

ClinVar aggregate classification (germline): Uncertain significance (1 of 4 stars; one submission).

Conditions:
Inborn genetic diseases. Identifiers: MedGen C0950123, MeSH D030342.

Submission:

Ambry Genetics
Classification: Uncertain significance for Inborn genetic diseases. Last evaluated: 2025-03-29. Review status: criteria provided, single submitter. Criteria: Ambry Variant Classification Scheme 2023. Collection method: clinical testing. Allele origin: germline.
Comment: The p.E1092V variant (also known as c.3275A>T), located in coding exon 15 of the MECOM gene, results from an A to T substitution at nucleotide position 3275. The glutamic acid at codon 1092 is replaced by valine, an amino acid with dissimilar properties. This amino acid position is conserved. In addition, this alteration is predicted to be tolerated by in silico analysis. Based on the available evidence, the clinical significance of this variant remains unclear.